The following is an entry in ClinVar:

ClinVar aggregate classification (germline): Uncertain significance. Review status: criteria provided, multiple submitters, no conflicts (2 of 4 stars). 2 submissions from 2 submitters: Uncertain significance (2). Last evaluated 2022-11-09.

Conditions:
Inborn genetic diseases. Identifiers: MedGen C0950123, MeSH D030342.

Allele frequency attached by ClinVar (database versions not stated): ExAC 0.00001; TOPMed 0.00002; gnomAD exomes 0.00003.
gnomAD v4.1: 40 of 1,613,934 alleles (0.0025%); highest among the groups gnomAD compares: Non-Finnish European, 0.0033%; no homozygotes.

Submissions (2):

Ambry Genetics
Classification: Uncertain significance for Inborn genetic diseases. Last evaluated: 2022-11-09. Review status: criteria provided, single submitter. Criteria: Ambry Variant Classification Scheme 2023. Collection method: clinical testing. Allele origin: germline.

Labcorp Genetics (formerly Invitae), Labcorp
Classification: Uncertain significance. Last evaluated: 2022-07-25. Review status: criteria provided, single submitter. Criteria: Invitae Variant Classification Sherloc (09022015). Collection method: clinical testing. Allele origin: germline.
Comment: This sequence change replaces leucine, which is neutral and non-polar, with phenylalanine, which is neutral and non-polar, at codon 2033 of the VPS13D protein (p.Leu2033Phe). This variant is present in population databases (rs768505843, gnomAD 0.003%). This variant has not been reported in the literature in individuals affected with VPS13D-related conditions. Algorithms developed to predict the effect of missense changes on protein structure and function are either unavailable or do not agree on the potential impact of this missense change (SIFT: "Not Available"; PolyPhen-2: "Probably Damaging"; Align-GVGD: "Not Available"). In summary, the available evidence is currently insufficient to determine the role of this variant in disease. Therefore, it has been classified as a Variant of Uncertain Significance.

NM_015378.4(VPS13D):c.6097C>T (p.Leu2033Phe)

Gene: VPS13D (vacuolar protein sorting 13 homolog D; plus strand). Cytogenetic location: 1p36.22.
Variant type: single nucleotide variant.
Coding change: c.6097C>T on transcript NM_015378.4 (MANE Select); coding-DNA position 6097, C replaced by T.
Protein change: p.Leu2033Phe; replaces leucine 2033 with phenylalanine.
Molecular consequence: missense variant.
Genome position (GRCh38, 1-based): chr1:12,299,265, C>T. VCF-style: chr1-12299265-C-T. GRCh37 (hg19) VCF-style: chr1-12359322-C-T.
Other names: c.6097C>T, p.Leu2033Phe (NM_018156.4); short protein forms L2033F.
Identifiers: ClinVar variation 1958387 (VCV001958387.6), dbSNP rs768505843, ClinGen allele CA602513.